The following is an entry in ClinVar:

ClinVar aggregate classification (germline): Benign. Review status: criteria provided, single submitter (1 of 4 stars). 2 submissions from 2 submitters: Benign (1). 1 of the submissions does not count toward it. Last evaluated 2018-03-30.

Conditions:
SEMA3D-related disorder. Also called: SEMA3D-related condition.

Allele frequency attached by ClinVar (database versions not stated): gnomAD exomes 0.00010 and 0.00035; ESP Exome Variant Server 0.00146; ExAC 0.00046; TOPMed 0.00168; 1000 Genomes Project 0.00120; 1000 Genomes Project 30x 0.00141; gnomAD 0.00146 and 0.00157.
gnomAD v4.1: 380 of 1,612,250 alleles (0.024%); highest among the groups gnomAD compares: African/African-American, 0.44%; 1 homozygote.

Submissions (2):

Labcorp Genetics (formerly Invitae), Labcorp
Classification: Benign. Last evaluated: 2018-03-30. Review status: criteria provided, single submitter. Criteria: Invitae Variant Classification Sherloc (09022015). Collection method: clinical testing. Allele origin: germline.

PreventionGenetics, part of Exact Sciences
Classification: Likely benign for SEMA3D-related condition. Last evaluated: 2019-10-29. Review status: no assertion criteria provided. Collection method: clinical testing. Allele origin: germline. Not counted in ClinVar's aggregate classification.
Comment: This variant is classified as likely benign based on ACMG/AMP sequence variant interpretation guidelines (Richards et al. 2015 PMID: 25741868, with internal and published modifications).

NM_001384900.1(SEMA3D):c.1230C>T (p.Thr410=)

Gene: SEMA3D (semaphorin 3D; minus strand). Cytogenetic location: 7q21.11.
Variant type: single nucleotide variant.
Coding change: c.1230C>T on transcript NM_001384900.1 (MANE Select); coding-DNA position 1230, C replaced by T.
Protein change: p.Thr410=; no amino-acid change (threonine 410 retained).
Molecular consequence: synonymous variant.
Genome position (GRCh38, 1-based): chr7:85,022,575, G>A on the plus strand (C>T on the coding strand, the complement: SEMA3D is on the minus strand). VCF-style: chr7-85022575-G-A. GRCh37 (hg19) VCF-style: chr7-84651891-G-A.
Other names: c.1230C>T, p.Thr410= (NM_001384901.1, NM_001384902.1, NM_001384903.1 and 1 more transcripts).
Identifiers: ClinVar variation 724143 (VCV000724143.5), dbSNP rs147118047, ClinGen allele CA4323484.
Genomic context (GRCh38, chr7:85,022,575, plus strand): 5'-GGACTTATACATCACAGAGTGCCGCTTTATGAAACTGATGACATCATCTGGAAAATCTCG[G>A]GTGGACTTAATCAGTGGGTCATAGGTTTTGCTTGGACACTGAAAATAAATGTGGAGGAAA-3'
Protein context (NP_001371829.1, residues 400-420): SKTYDPLIKS[Thr410=]RDFPDDVISF